The following is an entry in ClinVar:

ClinVar aggregate classification (germline): Uncertain significance (1 of 4 stars; one submission).

Submission:

Labcorp Genetics (formerly Invitae), Labcorp
Classification: Uncertain significance. Last evaluated: 2022-03-27. Review status: criteria provided, single submitter. Criteria: Invitae Variant Classification Sherloc (09022015). Collection method: clinical testing. Allele origin: germline.
Comment: In summary, the available evidence is currently insufficient to determine the role of this variant in disease. Therefore, it has been classified as a Variant of Uncertain Significance. Algorithms developed to predict the effect of missense changes on protein structure and function are either unavailable or do not agree on the potential impact of this missense change (SIFT: "Tolerated"; PolyPhen-2: "Probably Damaging"; Align-GVGD: "Class C0"). This variant has not been reported in the literature in individuals affected with DMXL2-related conditions. This variant is not present in population databases (gnomAD no frequency). This sequence change replaces aspartic acid, which is acidic and polar, with histidine, which is basic and polar, at codon 983 of the DMXL2 protein (p.Asp983His).

NM_001378457.1(DMXL2):c.2947G>C (p.Asp983His)

Gene: DMXL2 (Dmx like 2; minus strand). Cytogenetic location: 15q21.2.
Variant type: single nucleotide variant.
Coding change: c.2947G>C on transcript NM_001378457.1 (MANE Select); coding-DNA position 2947, G replaced by C.
Protein change: p.Asp983His; replaces aspartic acid 983 with histidine.
Molecular consequence: missense variant. On other transcripts: non-coding transcript variant (2), intron variant (2).
Genome position (GRCh38, 1-based): chr15:51,502,851, C>G on the plus strand (G>C on the coding strand, the complement: DMXL2 is on the minus strand). VCF-style: chr15-51502851-C-G. GRCh37 (hg19) VCF-style: chr15-51795048-C-G.
Other names: c.2947G>C, p.Asp983His (NM_001174116.3, NM_001378458.1, NM_001378459.1 and 4 more transcripts); c.2707G>C, p.Asp903His (NM_001378464.1); c.2764+4283G>C (NM_001378460.1, NM_001174117.3); short protein forms D983H, D903H.
Identifiers: ClinVar variation 2066685 (VCV002066685.4), dbSNP rs1596032505, ClinGen allele CA392438193.